The following is an entry in ClinVar:

NM_001009944.3(PKD1):c.6968_6981dup (p.Glu2328fs)

Gene: PKD1 (polycystin 1, transient receptor potential channel interacting; minus strand). Cytogenetic location: 16p13.3.
Variant type: Duplication.
Coding change: c.6968_6981dup on transcript NM_001009944.3 (MANE Select); coding-DNA positions 6968 to 6981, 14 bases duplicated (TCACCATTCCACGG).
Protein change: p.Glu2328fs; shifts the reading frame from glutamic acid 2328.
Molecular consequence: frameshift variant.
Genome position (GRCh38, 1-based): chr16:2,107,967-2,107,980, CCGTGGAATGGTGA duplicated on the plus strand (TCACCATTCCACGG on the coding strand, the reverse complement: PKD1 is on the minus strand); duplicating any 14 consecutive bases within chr16:2,107,967-2,107,985 gives the same sequence; the c. name uses the placement nearest the transcript's 3' end. VCF-style (leftmost placement, unchanged base first): chr16-2107966-C-CCCGTGGAATGGTGA. GRCh37 (hg19) VCF-style: chr16-2157967-C-CCCGTGGAATGGTGA.
Other names: c.6968_6981dup, p.Glu2328fs (NM_000296.4); c.6968_6981dup14 (NM_001009944.3); short protein forms E2328fs.
Identifiers: ClinVar variation 3902589 (VCV003902589.1).

ClinVar aggregate classification (germline): Pathogenic (1 of 4 stars; one submission).

Conditions:
Polycystic kidney disease, adult type (PKD1). Also called: Polycystic Kidney Disease 1, Autosomal Dominant; Polycystic kidney disease 1; Polycystic kidney disease 1, severe; Polycystic Kidney, Autosomal Dominant; POLYCYSTIC KIDNEY DISEASE 1 WITH OR WITHOUT POLYCYSTIC LIVER DISEASE; POLYCYSTIC KIDNEY DISEASE, ADULT, TYPE I. Identifiers: MedGen C3149841, MONDO:0008263, OMIM 173900.

Submission:

Women's Health and Genetics/Laboratory Corporation of America, LabCorp
Classification: Pathogenic for Polycystic kidney disease, adult type. Last evaluated: 2025-05-01. Review status: criteria provided, single submitter. Criteria: LabCorp Variant Classification Summary - May 2015. Collection method: clinical testing. Allele origin: germline.
Comment: Variant summary: PKD1 c.6968_6981dup14 (p.Glu2328SerfsX18) results in a premature termination codon, predicted to cause a truncation of the encoded protein or absence of the protein due to nonsense mediated decay, which are commonly known mechanisms for disease. Algorithms developed to predict the effect of missense changes on protein structure and function are either unavailable or do not agree on the potential impact of this missense change. The variant was absent in 151208 control chromosomes (gnomAD). To our knowledge, no occurrence of c.6968_6981dup14 in individuals affected with Polycystic Kidney Disease 1 and no experimental evidence demonstrating its impact on protein function have been reported. No submitters have cited clinical-significance assessments for this variant to ClinVar. Based on the evidence outlined above, the variant was classified as pathogenic.